The following is an entry in ClinVar:

NM_004974.4(KCNA2):c.532G>A (p.Val178Ile)

Gene: KCNA2 (potassium voltage-gated channel subfamily A member 2; minus strand). Cytogenetic location: 1p13.3.
Variant type: single nucleotide variant.
Coding change: c.532G>A on transcript NM_004974.4 (MANE Select); coding-DNA position 532, G replaced by A.
Protein change: p.Val178Ile; replaces valine 178 with isoleucine.
Molecular consequence: missense variant.
Genome position (GRCh38, 1-based): chr1:110,604,251, C>T on the plus strand (G>A on the coding strand, the complement: KCNA2 is on the minus strand). VCF-style: chr1-110604251-C-T. GRCh37 (hg19) VCF-style: chr1-111146873-C-T.
Other names: c.532G>A, p.Val178Ile (NM_001204269.2); short protein forms V178I.
Identifiers: ClinVar variation 1306817 (VCV001306817.6), dbSNP rs762594923, ClinGen allele CA1000706.

ClinVar aggregate classification (germline): Uncertain significance. Review status: criteria provided, multiple submitters, no conflicts (2 of 4 stars). 2 submissions from 2 submitters: Uncertain significance (2). Last evaluated 2025-08-29.

Conditions:
Developmental and epileptic encephalopathy, 32 (DEE32). Also called: Epileptic encephalopathy, early infantile, 32. Identifiers: Orphanet 442835, MedGen C4225350, MONDO:0014607, OMIM 616366.

Allele frequency attached by ClinVar (database versions not stated): gnomAD 0.00001; gnomAD exomes 0.00001; ExAC 0.00002; TOPMed 0.00003.

Submissions (2):

Labcorp Genetics (formerly Invitae), Labcorp
Classification: Uncertain significance for Developmental and epileptic encephalopathy, 32. Last evaluated: 2025-08-29. Review status: criteria provided, single submitter. Criteria: Invitae Variant Classification Sherloc (09022015). Collection method: clinical testing. Allele origin: germline.
Comment: This sequence change replaces valine, which is neutral and non-polar, with isoleucine, which is neutral and non-polar, at codon 178 of the KCNA2 protein (p.Val178Ile). This variant is present in population databases (rs762594923, gnomAD 0.006%). This variant has not been reported in the literature in individuals affected with KCNA2-related conditions. ClinVar contains an entry for this variant (Variation ID: 1306817). Invitae Evidence Modeling of protein sequence and biophysical properties (such as structural, functional, and spatial information, amino acid conservation, physicochemical variation, residue mobility, and thermodynamic stability) indicates that this missense variant is not expected to disrupt KCNA2 protein function with a negative predictive value of 95%. In summary, the available evidence is currently insufficient to determine the role of this variant in disease. Therefore, it has been classified as a Variant of Uncertain Significance.

GeneDx
Classification: Uncertain significance. Last evaluated: 2019-07-03. Review status: criteria provided, single submitter. Criteria: GeneDx Variant Classification Process June 2021. Collection method: clinical testing. Allele origin: germline. Affected: yes.
Comment: In silico analysis, which includes protein predictors and evolutionary conservation, supports that this variant does not alter protein structure/function; Has not been previously published as pathogenic or benign to our knowledge